The following is an entry in ClinVar:

NM_004415.4(DSP):c.6307A>G (p.Lys2103Glu)

Gene: DSP (desmoplakin; plus strand). Cytogenetic location: 6p24.3.
Variant type: single nucleotide variant.
Coding change: c.6307A>G on transcript NM_004415.4 (MANE Select); coding-DNA position 6307, A replaced by G.
Protein change: p.Lys2103Glu; replaces lysine 2103 with glutamic acid.
Molecular consequence: missense variant.
Genome position (GRCh38, 1-based): chr6:7,583,569, A>G. VCF-style: chr6-7583569-A-G. GRCh37 (hg19) VCF-style: chr6-7583802-A-G.
Other names: p.K2103E:AAG>GAG; p.Lys2103Gl; c.6307A>G (LRG_423t1, NM_004415.3); c.4510A>G, p.Lys1504Glu (NM_001008844.3); c.4978A>G, p.Lys1660Glu (NM_001319034.2); short protein forms K2103E, K1504E, K1660E.
Identifiers: ClinVar variation 180336 (VCV000180336.34), dbSNP rs149513743, ClinGen allele CA006835.

ClinVar aggregate classification (germline): Conflicting classifications of pathogenicity. Review status: criteria provided, conflicting classifications (1 of 4 stars). 15 submissions from 13 submitters: Uncertain significance (12); Likely benign (3). Last evaluated 2026-01-31.

Conditions:
Cardiovascular phenotype. Identifiers: MedGen CN230736.
Woolly hair-skin fragility syndrome (WHSF). Identifiers: Orphanet 293165, MedGen C1843292, MONDO:0957307, OMIM 620415.
Arrhythmogenic right ventricular dysplasia 8 (ARVD8). Also called: ARRHYTHMOGENIC RIGHT VENTRICULAR DYSPLASIA, FAMILIAL, 8; ARRHYTHMOGENIC RIGHT VENTRICULAR CARDIOMYOPATHY 8; Arrhythmogenic Right Ventricular Dysplasia/Cardiomyopathy 8. Identifiers: MedGen C1843896, MONDO:0011831, OMIM 607450.
Arrhythmogenic cardiomyopathy with wooly hair and keratoderma. Also called: PALMOPLANTAR KERATODERMA WITH LEFT VENTRICULAR CARDIOMYOPATHY AND WOOLLY HAIR; Dilated cardiomyopathy with woolly hair and keratoderma; Arrhythmogenic cardiomyopathy with woolly hair and keratoderma; Carvajal syndrome. Identifiers: Orphanet 65282, MedGen C1854063, MONDO:0011581, OMIM 605676.
Cardiomyopathy, dilated, with wooly hair, keratoderma, and tooth agenesis. Also called: Cardiomyopathy, dilated, with woolly hair, keratoderma, and tooth agenesis; Erythrokeratodermia-cardiomyopathy syndrome. Identifiers: Orphanet 476096, Orphanet 65282, MedGen C4014393, MONDO:0014355, OMIM 615821.
Keratosis palmoplantaris striata 2. Also called: Keratosis palmoplantaris striata II; KERATODERMA, PALMOPLANTAR, STRIATE FORM II; STRIATE PALMOPLANTAR KERATODERMA II. Identifiers: MedGen C1852127, MONDO:0013034, OMIM 612908.
Lethal acantholytic epidermolysis bullosa (EBLA). Identifiers: Orphanet 158687, MedGen C1864826, MONDO:0012323, OMIM 609638.
Arrhythmogenic right ventricular cardiomyopathy (ARVD). Also called: Cardiomyopathy, ARVC; Arrhythmogenic right ventricular dysplasia; Arrhythmogenic cardiomyopathy; Arrhythmogenic Right Ventricular Cardiomyopathy (ARVC). Identifiers: Orphanet 247, MedGen C0349788, MeSH D019571, MONDO:0016587. Disease mechanism: loss of function. Inheritance: Various modes of inheritance.
Cardiomyopathy (CMYO). Also called: Cardiomyopathies. Identifiers: Orphanet 167848, MedGen C0878544, MONDO:0004994, HP:0001638. Inheritance: Various modes of inheritance.

Allele frequency attached by ClinVar (database versions not stated): gnomAD 0.00009 and 0.00010; ExAC 0.00012; gnomAD exomes 0.00013 and 0.00030; TOPMed 0.00015; ESP Exome Variant Server 0.00023.

Submissions 1 to 10 of 15:

Labcorp Genetics (formerly Invitae), Labcorp
Classification: Likely benign for Arrhythmogenic cardiomyopathy with wooly hair and keratoderma; Arrhythmogenic right ventricular dysplasia 8. Last evaluated: 2026-01-31. Review status: criteria provided, single submitter. Criteria: Invitae Variant Classification Sherloc (09022015). Collection method: clinical testing. Allele origin: germline.

Color Diagnostics, LLC DBA Color Health
Classification: Uncertain significance for Cardiomyopathy. Last evaluated: 2025-12-11. Review status: criteria provided, single submitter. Criteria: ACMG Guidelines, 2015. Collection method: clinical testing. Allele origin: germline.
Comment: This missense variant replaces lysine with glutamic acid at codon 2103 of the DSP protein. Computational predictions are inconclusive regarding the impact of this variant on protein structure and function. To our knowledge, functional studies have not been reported for this variant. This variant has been reported in an individual affected with dilated cardiomyopathy (PMID: 28416588), in an individual affected with sudden cardiac arrest and Noonan syndrome (PMID: 31378211), and in an individual affected with sudden cardiac death due to primary myocardial fibrosis (Holmstrom 2020, dissertation, University of Oulu). This variant has also been identified in 452/1614100 chromosomes in the general population by the Genome Aggregation Database (gnomAD). Although there is a suspicion that this variant may not be associated with disease, additional studies are necessary to determine the role of this variant in disease conclusively. Therefore, this variant is classified as a Variant of Uncertain Significance.

Clinical Genomics Laboratory, Washington University in St. Louis
Classification: Uncertain significance for Arrhythmogenic right ventricular dysplasia 8. Last evaluated: 2025-07-05. Review status: criteria provided, single submitter. Criteria: ACMG Guidelines, 2015. Collection method: clinical testing. Allele origin: germline.
Comment: A DSP c.6307A>G (p.Lys2103Glu) variant was identified in a heterozygous state. This variant has been identified in an individual with Noonan syndrome who underwent cardiac arrest (Petrin Z et al., PMID: 31378211) and individual with sudden cardiac death (Junttila MJ et al., PMID: 29915098), and in two individuals with dilated cardiomyopathy, one who had a second variant in DSP as well (Gigli M et al., PMID: 31514951; Dal Ferro M et al., PMID: 28416588). It has been reported in the ClinVar database as a variant of uncertain significance by several submitters and a likely benign variant by two submitters (ClinVar variation ID: 180336). The DSP c.6307A>G (p.Lys2103Glu) variant is observed on 37/282,852 alleles in the general population (gnomAD v.2.1.1). Computational predictors are uncertain as to the impact of this variant on DSP function while functional and structural studies suggest that this variant does not significantly alter protein function (Mohammed F et al. PMID: 35008956). Due to limited information, and based on ACMG/AMP guidelines for variant interpretation (Richards S et al., PMID: 25741868), the clinical significance of this variant is uncertain at this time.

Molecular Diagnostic Laboratory for Inherited Cardiovascular Disease, Montreal Heart Institute
Classification: Uncertain significance for Cardiovascular phenotype. Last evaluated: 2025-02-17. Review status: criteria provided, single submitter. Criteria: ACMG Guidelines, 2015. Collection method: clinical testing. Allele origin: germline. Affected: yes.

ARUP Laboratories, Molecular Genetics and Genomics, ARUP Laboratories
Classification: Uncertain significance. Last evaluated: 2025-01-29. Review status: criteria provided, single submitter. Criteria: ARUP Molecular Germline Variant Investigation Process 2024. Collection method: clinical testing. Allele origin: germline.
Comment: The DSP c.6307A>G; p.Lys2103Glu variant (rs149513743) has been reported two individuals with dilated cardiomyopathy (Dal Ferro 2017, Gigli 2019) and in an individual with sudden cardiac arrest and Noonan syndrome (Petrin 2019). The variant is reported in the ClinVar database (Variation ID: 180336) and is found in the non-Finnish European population with an allele frequency of 0.025% (32/129,176 alleles) in the Genome Aggregation Database (v2.1.1). Computational analyses are uncertain whether this variant is neutral or deleterious (REVEL: 0.357). Due to limited information, the clinical significance of the p.Lys2103Glu variant is uncertain at this time. References: Dal Ferro M et al. Association between mutation status and left ventricular reverse remodelling in dilated cardiomyopathy. Heart. 2017 Nov;103(21):1704-1710. PMID: 28416588. Gigli M et al. Genetic Risk of Arrhythmic Phenotypes in Patients With Dilated Cardiomyopathy. J Am Coll Cardiol. 2019 Sep 17;74(11):1480-1490. PMID: 31514951. Petrin Z et al. Sudden cardiac arrest in the field in an 18-year-old male athlete with Noonan syndrome: case presentation and 5-year follow-up. Cardiol Young. 2019 Sep;29(9):1214-1216. PMID: 31378211.

GeneDx
Classification: Uncertain significance. Last evaluated: 2024-07-23. Review status: criteria provided, single submitter. Criteria: GeneDx Variant Classification Process June 2021. Collection method: clinical testing. Allele origin: germline. Affected: yes.
Comment: Identified in patients with DCM in published literature; one patient harbored an additional variant in the DSP gene (PMID: 28416588, 31514951); Identified in an individual with SCD and primary myocardial fibrosis (PMID: 29915098); Identified in a patient with a clinical diagnosis of Noonan syndrome with survived cardiac arrest (PMID: 31378211); Published functional study suggests this variant is not predicted to significantly alter protein structure (PMID: 35008956); In silico analysis indicates that this missense variant does not alter protein structure/function; This variant is associated with the following publications: (PMID: 31514951, 28416588, 26606670, 29915098, 37937776, 31378211, 35008956)

Blueprint Genetics
Classification: Likely benign. Last evaluated: 2024-01-11. Review status: criteria provided, single submitter. Criteria: ACMG Guidelines, 2015. Collection method: clinical testing. Allele origin: germline.

Ambry Genetics
Classification: Likely benign for Cardiovascular phenotype. Last evaluated: 2021-10-25. Review status: criteria provided, single submitter. Criteria: Ambry Variant Classification Scheme 2023. Collection method: clinical testing. Allele origin: germline.

Fulgent Genetics
Classification: Uncertain significance for Arrhythmogenic cardiomyopathy with wooly hair and keratoderma; Arrhythmogenic right ventricular dysplasia 8; Lethal acantholytic epidermolysis bullosa; Keratosis palmoplantaris striata 2; Cardiomyopathy, dilated, with wooly hair, keratoderma, and tooth agenesis. Last evaluated: 2021-08-26. Review status: criteria provided, single submitter. Criteria: ACMG Guidelines, 2015. Collection method: clinical testing. Allele origin: unknown.

Clinical Genomics Laboratory, Stanford Medicine
Classification: Uncertain significance for Arrhythmogenic right ventricular dysplasia 8. Last evaluated: 2021-05-07. Review status: criteria provided, single submitter. Criteria: ACMG Guidelines, 2015. Collection method: clinical testing. Allele origin: germline. Affected: yes. Observed: 1 heterozygote.
Comment: •The p.Lys2103Glu variant in the DSP gene has been previously reported in 3 unrelated individuals, 1 individual with dilated cardiomyopathy, 1 individual with dilated cardiomyopathy who had a second variant of uncertain significant in this gene, and 1 individual with Noonan syndrome and sudden cardiac arrest (Del Ferro et al., 2017; Gigli et al., 2019; Petrin, Soffer and Daniels 2019). • This variant has been identified in 32/129,176 European chromosomes by the Genome Aggregation Database. • Computational tools predict that the p.Lys2103Glu variant does not impact protein function; however, the accuracy of in silico algorithms is limited. • These data were assessed using the ACMG/AMP variant interpretation guidelines. In summary, the significance of the p.Lys2103Glu variant is uncertain. Additional information is needed to resolve the significance of this variant. [ACMG evidence codes used: none]